The following is an entry in ClinVar:

NM_001080432.3(FTO):c.*1281G>A

Gene: FTO (FTO alpha-ketoglutarate dependent dioxygenase; plus strand). Cytogenetic location: 16q12.2.
Variant type: single nucleotide variant.
Coding change: c.*1281G>A on transcript NM_001080432.3 (MANE Select); 1281 bases downstream of the stop codon, G replaced by A.
Molecular consequence: 3 prime UTR variant.
Genome position (GRCh38, 1-based): chr16:54,113,196, G>A. VCF-style: chr16-54113196-G-A. GRCh37 (hg19) VCF-style: chr16-54147108-G-A.
Other names: c.*1281G>A (NM_001363891.2, NM_001363894.2, NM_001363896.2 and 6 more transcripts); c.*1399G>A (NM_001363903.2); c.*1457G>A (NM_001363988.2).
Identifiers: ClinVar variation 886905 (VCV000886905.4), dbSNP rs76366199, ClinGen allele CA281991304.

ClinVar aggregate classification (germline): Likely benign (1 of 4 stars; one submission).

Conditions:
Lethal polymalformative syndrome, Boissel type. Also called: GROWTH RETARDATION, DEVELOPMENTAL DELAY, AND FACIAL DYSMORPHISM. Identifiers: Orphanet 210144, MedGen C2752001, MONDO:0013050, OMIM 612938.

Allele frequency attached by ClinVar (database versions not stated): gnomAD 0.00320 and 0.00332; TOPMed 0.00346; 1000 Genomes Project 30x 0.00422; 1000 Genomes Project 0.00439.

Submission:

Illumina Laboratory Services, Illumina
Classification: Likely benign for Lethal polymalformative syndrome, Boissel type. Last evaluated: 2017-04-27. Review status: criteria provided, single submitter. Criteria: ICSL Variant Classification Criteria 13 December 2019. Collection method: clinical testing. Allele origin: germline.
Comment: This variant was observed as part of a predisposition screen in an ostensibly healthy population. A literature search was performed for the gene, cDNA change, and amino acid change (where applicable). No publications were found based on this search. Allele frequency data from public databases allowed determination this variant is unlikely to cause disease. Therefore, this variant is classified as likely benign.